The following is an entry in ClinVar:

ClinVar aggregate classification (germline): Uncertain significance. Review status: criteria provided, multiple submitters, no conflicts (2 of 4 stars). 3 submissions from 3 submitters: Uncertain significance (3). Last evaluated 2025-02-04.

Conditions:
Hypertrophic cardiomyopathy 4. Also called: Familial hypertrophic cardiomyopathy 4. Identifiers: MedGen C1861862, MONDO:0007268, OMIM 115197.
Hypertrophic cardiomyopathy. Also called: HYPERTROPHIC MYOCARDIOPATHY. Identifiers: Orphanet 217569, MedGen C0007194, MeSH D002312, MONDO:0005045, HP:0001639.

Submissions (3):

3billion
Classification: Uncertain significance for Hypertrophic cardiomyopathy 4. Last evaluated: 2025-02-04. Review status: criteria provided, single submitter. Criteria: ACMG Guidelines, 2015. Collection method: clinical testing. Allele origin: germline. Affected: yes.
Comment: The variant is not observed in the gnomAD v4.1.0 dataset. Predicted Consequence/Location: Missense variant In silico tool predictions suggest damaging effect of the variant on gene or gene product [REVEL: 0.85 (>=0.6, sensitivity 0.68 and specificity 0.92); 3Cnet: 0.68 (>=0.6, sensitivity 0.72 and precision 0.9)]. The variant has been reported as of uncertain significance (ClinVar ID: VCV003064743).Different missense changes at the same codon have been reported as of uncertain significance (ClinVar ID: VCV002773740, VCV003074451, VCV000042543). Therefore, this variant is classified as VUS according to the recommendation of ACMG/AMP guideline.

Labcorp Genetics (formerly Invitae), Labcorp
Classification: Uncertain significance for Hypertrophic cardiomyopathy. Last evaluated: 2025-01-20. Review status: criteria provided, single submitter. Criteria: Invitae Variant Classification Sherloc (09022015). Collection method: clinical testing. Allele origin: germline.
Comment: This sequence change replaces glycine, which is neutral and non-polar, with valine, which is neutral and non-polar, at codon 507 of the MYBPC3 protein (p.Gly507Val). This variant is not present in population databases (gnomAD no frequency). This variant has not been reported in the literature in individuals affected with MYBPC3-related conditions. ClinVar contains an entry for this variant (Variation ID: 3064743). An algorithm developed to predict the effect of missense changes on protein structure and function (PolyPhen-2) suggests that this variant is likely to be disruptive. In summary, the available evidence is currently insufficient to determine the role of this variant in disease. Therefore, it has been classified as a Variant of Uncertain Significance.

Genomic Medicine Center of Excellence, King Faisal Specialist Hospital and Research Centre
Classification: Uncertain significance for Hypertrophic cardiomyopathy 4. Last evaluated: 2024-03-29. Review status: criteria provided, single submitter. Criteria: ACMG Guidelines, 2015. Collection method: clinical testing. Allele origin: germline.

NM_000256.3(MYBPC3):c.1520G>T (p.Gly507Val)

Gene: MYBPC3 (myosin binding protein C3; minus strand). Cytogenetic location: 11p11.2.
Variant type: single nucleotide variant.
Coding change: c.1520G>T on transcript NM_000256.3 (MANE Select); coding-DNA position 1520, G replaced by T.
Protein change: p.Gly507Val; replaces glycine 507 with valine.
Molecular consequence: missense variant.
Genome position (GRCh38, 1-based): chr11:47,342,682, C>A on the plus strand (G>T on the coding strand, the complement: MYBPC3 is on the minus strand). VCF-style: chr11-47342682-C-A. GRCh37 (hg19) VCF-style: chr11-47364233-C-A.
Other names: short protein forms G507V.
Identifiers: ClinVar variation 3064743 (VCV003064743.4), dbSNP rs2495762835, ClinGen allele CA380325187.